The following is an entry in ClinVar:

ClinVar aggregate classification (germline): Uncertain significance (1 of 4 stars; one submission).

Conditions:
Left ventricular noncompaction 7 (LVNC7). Identifiers: Orphanet 54260, MedGen C3554496, MONDO:0014042, OMIM 615092.

Submission:

Neuberg Centre For Genomic Medicine, NCGM
Classification: Uncertain significance for Left ventricular noncompaction 7. Last evaluated: 2023-05-20. Review status: criteria provided, single submitter. Criteria: ACMG Guidelines, 2015. Collection method: clinical testing. Allele origin: germline. Inheritance: Autosomal dominant inheritance. Affected: yes.
Comment: The observed missense c.13C>T(p.Arg5Trp) variant in MIB1 gene has not been reported previously as a pathogenic variant nor as a benign variant, to our knowledge. This variant is reported with the allele frequency of 0.0005% in the gnomAD Exomes. The amino acid Arg at position 5 is changed to a Trp changing protein sequence and it might alter its composition and physico-chemical properties. The amino acid change p.Arg5Trp in MIB1 is predicted as conserved by GERP++ and PhyloP across 100 vertebrates. Multiple lines of computational evidence (Polyphen - Damaging, SIFT - Damaging, and MutationTaster - Disease causing) predict a damaging effect on protein structure and function for this variant. For these reasons, this variant has been classified as Uncertain Significance.

NM_020774.4(MIB1):c.13C>T (p.Arg5Trp)

Genes: MIB1 (MIB E3 ubiquitin protein ligase 1; plus strand), LOC130062254 (ATAC-STARR-seq lymphoblastoid silent region 9344; plus strand). Cytogenetic location: 18q11.2.
Variant type: single nucleotide variant.
Coding change: c.13C>T on transcript NM_020774.4 (MANE Select); coding-DNA position 13, C replaced by T.
Protein change: p.Arg5Trp; replaces arginine 5 with tryptophan.
Molecular consequence: missense variant.
Genome position (GRCh38, 1-based): chr18:21,741,596, C>T. VCF-style: chr18-21741596-C-T. GRCh37 (hg19) VCF-style: chr18-19321557-C-T.
Other names: short protein forms R5W.
Identifiers: ClinVar variation 3362346 (VCV003362346.3).